The following is an entry in ClinVar:

ClinVar aggregate classification (germline): Uncertain significance. Review status: criteria provided, multiple submitters, no conflicts (2 of 4 stars). 2 submissions from 2 submitters: Uncertain significance (2). Last evaluated 2024-12-04.

Conditions:
CAPN3-related disorder. Also called: CAPN3-related disorders; CAPN3-related condition. Identifiers: MedGen CN239245.

Submissions (2):

PreventionGenetics, part of Exact Sciences
Classification: Uncertain significance for CAPN3-related condition. Last evaluated: 2024-12-04. Review status: criteria provided, single submitter. Criteria: ACMG Guidelines, 2015. Collection method: clinical testing. Allele origin: germline.
Comment: The CAPN3 c.1088T>A variant is predicted to result in the amino acid substitution p.Val363Glu. To our knowledge, this variant has not been reported in the literature or in a large population database (gnomAD), indicating this variant is rare. At this time, the clinical significance of this variant is uncertain due to the absence of conclusive functional and genetic evidence.

Revvity Omics, Revvity
Classification: Uncertain significance. Last evaluated: 2019-07-09. Review status: criteria provided, single submitter. Criteria: ACMG Guidelines, 2015. Collection method: clinical testing. Allele origin: germline.

NM_000070.3(CAPN3):c.1088T>A (p.Val363Glu)

Gene: CAPN3 (calpain 3; plus strand). Cytogenetic location: 15q15.1.
Variant type: single nucleotide variant.
Coding change: c.1088T>A on transcript NM_000070.3 (MANE Select); coding-DNA position 1088, T replaced by A.
Protein change: p.Val363Glu; replaces valine 363 with glutamic acid.
Molecular consequence: missense variant.
Genome position (GRCh38, 1-based): chr15:42,394,314, T>A. VCF-style: chr15-42394314-T-A. GRCh37 (hg19) VCF-style: chr15-42686512-T-A.
Other names: c.1088T>A, p.Val363Glu (NM_024344.2); c.944T>A, p.Val315Glu (NM_173087.2); c.827T>A, p.Val276Glu (NM_212464.2); c.*781T>A (NM_212467.2); short protein forms V276E, V315E, V363E.
Identifiers: ClinVar variation 2439723 (VCV002439723.4), dbSNP rs1595828665, ClinGen allele CA391999033.